The following is an entry in ClinVar:

ClinVar aggregate classification (germline): Likely pathogenic (1 of 4 stars; one submission).

Submission:

GeneDx
Classification: Likely pathogenic. Last evaluated: 2019-02-04. Review status: criteria provided, single submitter. Criteria: GeneDx Variant Classification Process June 2021. Collection method: clinical testing. Allele origin: germline. Affected: yes.
Comment: Frameshift variant in the C-terminus predicted to result in protein truncation, as the last 12 amino acids are lost and replaced with 42 incorrect amino acids; Not observed in large population cohorts (Lek et al., 2016)

NM_001099857.5(IKBKG):c.1224del (p.Asp408fs)

Gene: IKBKG (inhibitor of nuclear factor kappa B kinase regulatory subunit gamma; plus strand). Cytogenetic location: Xq28.
Variant type: Deletion.
Coding change: c.1224del on transcript NM_001099857.5 (MANE Select); coding-DNA position 1224, one base deleted (C; older notation c.1224delC).
Protein change: p.Asp408fs; shifts the reading frame from aspartic acid 408.
Molecular consequence: frameshift variant. On other transcripts: non-coding transcript variant (1).
Genome position (GRCh38, 1-based): chrX:154,564,425, C deleted. VCF-style (leftmost placement, unchanged base first): chrX-154564424-AC-A. GRCh37 (hg19) VCF-style: chrX-153792639-AC-A.
Other names: c.1428del, p.Asp476fs (NM_001099856.6); c.927del, p.Asp309fs (NM_001145255.4); c.1224del, p.Asp408fs (NM_001321396.3, NM_001377312.1, NM_003639.4); c.1221del, p.Asp407fs (NM_001321397.3, NM_001377313.1); c.1068del, p.Asp356fs (NM_001377314.1); c.855del, p.Asp285fs (NM_001377315.1); short protein forms D285fs, D309fs, D356fs, D407fs, D408fs, D476fs.
Identifiers: ClinVar variation 1191671 (VCV001191671.2), dbSNP rs2148386073, ClinGen allele CA2499226509.
Genomic context (GRCh38, chrX:154,564,424, plus strand): 5'-CCCCCGAGGAGCCACCTGACTTCTGCTGTCCCAAGTGCCAGTATCAGGCCCCTGATATGG[AC>A]ACCCTGCAGATACATGTCATGGAGTGCATTGAGTAGGGCCGGCCAGTGCAAGGCCACTGC-3'